The following is an entry in ClinVar:

NM_145691.4(ATPAF2):c.128C>T (p.Pro43Leu)

Genes: ATPAF2 (ATP synthase mitochondrial F1 complex assembly factor 2; minus strand), LOC130060409 (ATAC-STARR-seq lymphoblastoid active region 11820; plus strand). Cytogenetic location: 17p11.2.
Variant type: single nucleotide variant.
Coding change: c.128C>T on transcript NM_145691.4 (MANE Select); coding-DNA position 128, C replaced by T.
Protein change: p.Pro43Leu; replaces proline 43 with leucine.
Molecular consequence: missense variant.
Genome position (GRCh38, 1-based): chr17:18,038,886, G>A on the plus strand (C>T on the coding strand, the complement: ATPAF2 is on the minus strand). VCF-style: chr17-18038886-G-A. GRCh37 (hg19) VCF-style: chr17-17942200-G-A.
Other names: short protein forms P43L.
Identifiers: ClinVar variation 2903002 (VCV002903002.3), dbSNP rs1442700672, ClinGen allele CA398580264.

ClinVar aggregate classification (germline): Uncertain significance (1 of 4 stars; one submission).

Allele frequency attached by ClinVar (database versions not stated): gnomAD exomes 0.00001; TOPMed 0.00001.
gnomAD v4.1: 8 of 1,613,962 alleles (0.0005%); highest among the groups gnomAD compares: Middle Eastern, 0.033%; no homozygotes.

Submission:

Labcorp Genetics (formerly Invitae), Labcorp
Classification: Uncertain significance. Last evaluated: 2023-10-22. Review status: criteria provided, single submitter. Criteria: Invitae Variant Classification Sherloc (09022015). Collection method: clinical testing. Allele origin: germline.
Comment: This sequence change replaces proline, which is neutral and non-polar, with leucine, which is neutral and non-polar, at codon 43 of the ATPAF2 protein (p.Pro43Leu). This variant is not present in population databases (gnomAD no frequency). This variant has not been reported in the literature in individuals affected with ATPAF2-related conditions. Advanced modeling of protein sequence and biophysical properties (such as structural, functional, and spatial information, amino acid conservation, physicochemical variation, residue mobility, and thermodynamic stability) performed at Invitae indicates that this missense variant is not expected to disrupt ATPAF2 protein function. In summary, the available evidence is currently insufficient to determine the role of this variant in disease. Therefore, it has been classified as a Variant of Uncertain Significance.